The following is an entry in ClinVar:

ClinVar aggregate classification (germline): Uncertain significance. Review status: criteria provided, multiple submitters, no conflicts (2 of 4 stars). 4 submissions from 4 submitters: Uncertain significance (4). Last evaluated 2024-11-07.

Conditions:
Oculocutaneous albinism type 3 (OCA3). Also called: Rufous OCA; Rufous albinism; ALBINISM III; RUFOUS OCULOCUTANEOUS ALBINISM; XANTHISM; Albinism, oculocutaneous, type III. Identifiers: Orphanet 79433, MedGen C0342683, MONDO:0008747, OMIM 203290.

Allele frequency attached by ClinVar (database versions not stated): ExAC 0.00002; gnomAD exomes 0.00004 and 0.00016; gnomAD 0.00012; TOPMed 0.00014.
gnomAD v4.1: 268 of 1,612,750 alleles (0.017%); highest among the groups gnomAD compares: Non-Finnish European, 0.021%; 1 homozygote.

Submissions (4):

Blueprint Genetics
Classification: Uncertain significance. Last evaluated: 2024-11-07. Review status: criteria provided, single submitter. Criteria: ACMG Guidelines, 2015. Collection method: clinical testing. Allele origin: germline.

Labcorp Genetics (formerly Invitae), Labcorp
Classification: Uncertain significance. Last evaluated: 2022-08-22. Review status: criteria provided, single submitter. Criteria: Invitae Variant Classification Sherloc (09022015). Collection method: clinical testing. Allele origin: germline.
Comment: This sequence change replaces methionine, which is neutral and non-polar, with valine, which is neutral and non-polar, at codon 452 of the TYRP1 protein (p.Met452Val). This variant is present in population databases (rs761776915, gnomAD 0.008%). This missense change has been observed in individual(s) with clinical features of ocular albinism (PMID: 18326704). This variant is also known as c.1351A>G (p.Met451Val). ClinVar contains an entry for this variant (Variation ID: 437184). Algorithms developed to predict the effect of missense changes on protein structure and function are either unavailable or do not agree on the potential impact of this missense change (SIFT: "Tolerated"; PolyPhen-2: "Probably Damaging"; Align-GVGD: "Class C0"). In summary, the available evidence is currently insufficient to determine the role of this variant in disease. Therefore, it has been classified as a Variant of Uncertain Significance.

Illumina Laboratory Services, Illumina
Classification: Uncertain significance for Oculocutaneous albinism type 3. Last evaluated: 2017-04-27. Review status: criteria provided, single submitter. Criteria: ICSL Variant Classification Criteria 13 December 2019. Collection method: clinical testing. Allele origin: germline.
Comment: This variant was observed as part of a predisposition screen in an ostensibly healthy population. A literature search was performed for the gene, cDNA change, and amino acid change (where applicable). Publications were found based on this search. However, the evidence from the literature, in combination with allele frequency data from public databases where available, was not sufficient to rule this variant in or out of causing disease. Therefore, this variant is classified as a variant of unknown significance.

Genetic Services Laboratory, University of Chicago
Classification: Uncertain significance. Last evaluated: 2016-12-13. Review status: criteria provided, single submitter. Criteria: ACMG Guidelines, 2015. Collection method: clinical testing. Allele origin: germline. Affected: no.

Literature cited by the submitters: PubMed 18326704 (cited by Labcorp Genetics (formerly Invitae), Labcorp and Illumina Laboratory Services, Illumina).

NM_000550.3(TYRP1):c.1354A>G (p.Met452Val)

Genes: LURAP1L-AS1 (LURAP1L antisense RNA 1; minus strand), TYRP1 (tyrosinase related protein 1; plus strand). Cytogenetic location: 9p23.
Variant type: single nucleotide variant.
Coding change: c.1354A>G on transcript NM_000550.3 (MANE Select); coding-DNA position 1354, A replaced by G.
Protein change: p.Met452Val; replaces methionine 452 with valine.
Molecular consequence: missense variant.
Genome position (GRCh38, 1-based): chr9:12,708,089, A>G. VCF-style: chr9-12708089-A-G. GRCh37 (hg19) VCF-style: chr9-12708089-A-G.
Other names: short protein forms M452V.
Identifiers: ClinVar variation 437184 (VCV000437184.12), dbSNP rs761776915, ClinGen allele CA4985535.